The following is an entry in ClinVar:

NM_002437.5(MPV17):c.375+1G>A

Gene: MPV17 (mitochondrial inner membrane protein MPV17; minus strand). Cytogenetic location: 2p23.3.
Variant type: single nucleotide variant.
Coding change: c.375+1G>A on transcript NM_002437.5 (MANE Select); the canonical splice donor site of the intron after coding-DNA position 375, G replaced by A.
Molecular consequence: splice donor variant.
Genome position (GRCh38, 1-based): chr2:27,312,493, C>T on the plus strand (G>A on the coding strand, the complement: MPV17 is on the minus strand). VCF-style: chr2-27312493-C-T. GRCh37 (hg19) VCF-style: chr2-27535360-C-T.
Other names: c.375+1G>A (NM_002437.4).
Identifiers: ClinVar variation 2094200 (VCV002094200.6), dbSNP rs2465681506, ClinGen allele CA346207742.

ClinVar aggregate classification (germline): Likely pathogenic. Review status: criteria provided, multiple submitters, no conflicts (2 of 4 stars). 3 submissions from 3 submitters: Likely pathogenic (3). Last evaluated 2024-02-27.

Conditions:
Charcot-Marie-Tooth disease, axonal, type 2EE. Also called: CHARCOT-MARIE-TOOTH NEUROPATHY, TYPE 2EE. Identifiers: MedGen C5193076, MONDO:0032728, OMIM 618400.
Mitochondrial DNA depletion syndrome 6 (hepatocerebral type). Also called: Mitochondrial DNA depletion syndrome type 6; NAVAJO NEUROPATHY; Navajo neurohepatopathy. Identifiers: Orphanet 255229, MedGen C1850406, MONDO:0009747, OMIM 256810.

Allele frequency attached by ClinVar (database versions not stated): gnomAD exomes below 0.00001.
gnomAD v4.1: 1 of 1,614,030 alleles (0.000062%); highest among the groups gnomAD compares: Non-Finnish European, 0.000085%; no homozygotes.

Submissions (3):

Service de Génétique Médicale, Centre Hospitalier Universitaire de Nice-Université Côte d'Azur
Classification: Likely pathogenic for Mitochondrial DNA depletion syndrome 6 (hepatocerebral type). Last evaluated: 2024-02-27. Review status: criteria provided, single submitter. Criteria: ACMG Guidelines, 2015. Collection method: clinical testing. Allele origin: germline. Affected: yes.

Baylor Genetics
Classification: Likely pathogenic for Charcot-Marie-Tooth disease, axonal, type 2EE. Last evaluated: 2023-08-17. Review status: criteria provided, single submitter. Criteria: ACMG Guidelines, 2015. Collection method: clinical testing. Allele origin: unknown.

Labcorp Genetics (formerly Invitae), Labcorp
Classification: Likely pathogenic. Last evaluated: 2022-02-06. Review status: criteria provided, single submitter. Criteria: Invitae Variant Classification Sherloc (09022015). Collection method: clinical testing. Allele origin: germline.
Comment: This variant is not present in population databases (gnomAD no frequency). In summary, the currently available evidence indicates that the variant is pathogenic, but additional data are needed to prove that conclusively. Therefore, this variant has been classified as Likely Pathogenic. Algorithms developed to predict the effect of sequence changes on RNA splicing suggest that this variant may disrupt the consensus splice site. This variant has not been reported in the literature in individuals affected with MPV17-related conditions. This sequence change affects a donor splice site in intron 5 of the MPV17 gene. It is expected to disrupt RNA splicing. Variants that disrupt the donor or acceptor splice site typically lead to a loss of protein function (PMID: 16199547), and loss-of-function variants in MPV17 are known to be pathogenic (PMID: 23714749).

Literature cited by the submitters: PubMed 38703036 (cited by Service de Génétique Médicale, Centre Hospitalier Universitaire de Nice-Université Côte d'Azur); PubMed 16199547 (cited by Labcorp Genetics (formerly Invitae), Labcorp); PubMed 23714749 (cited by Labcorp Genetics (formerly Invitae), Labcorp).